The following is an entry in ClinVar:

ClinVar aggregate classification (germline): Uncertain significance (1 of 4 stars; one submission).

Conditions:
Senior-Loken syndrome 8 (SLSN8). Identifiers: Orphanet 3156, MedGen C4225376, MONDO:0014579, OMIM 616307.
Asphyxiating thoracic dystrophy 5 (SRTD5). Also called: SHORT-RIB THORACIC DYSPLASIA 5 WITH OR WITHOUT POLYDACTYLY; SHORT-RIB THORACIC DYSPLASIA 5 WITHOUT POLYDACTYLY. Identifiers: Orphanet 474, MedGen C3280598, MONDO:0013717, OMIM 614376.

Allele frequency attached by ClinVar (database versions not stated): ExAC 0.00001; gnomAD exomes 0.00001.
gnomAD v4.1: 11 of 1,614,010 alleles (0.00068%); highest among the groups gnomAD compares: Non-Finnish European, 0.00093%; no homozygotes.

Submission:

Labcorp Genetics (formerly Invitae), Labcorp
Classification: Uncertain significance for Senior-Loken syndrome 8; Asphyxiating thoracic dystrophy 5. Last evaluated: 2022-10-13. Review status: criteria provided, single submitter. Criteria: Invitae Variant Classification Sherloc (09022015). Collection method: clinical testing. Allele origin: germline.
Comment: This sequence change replaces isoleucine, which is neutral and non-polar, with threonine, which is neutral and polar, at codon 1199 of the WDR19 protein (p.Ile1199Thr). This variant is present in population databases (rs752447818, gnomAD 0.0009%). This variant has not been reported in the literature in individuals affected with WDR19-related conditions. Algorithms developed to predict the effect of missense changes on protein structure and function (SIFT, PolyPhen-2, Align-GVGD) all suggest that this variant is likely to be disruptive. In summary, the available evidence is currently insufficient to determine the role of this variant in disease. Therefore, it has been classified as a Variant of Uncertain Significance.

NM_025132.4(WDR19):c.3596T>C (p.Ile1199Thr)

Gene: WDR19 (WD repeat domain 19; plus strand). Cytogenetic location: 4p14.
Variant type: single nucleotide variant.
Coding change: c.3596T>C on transcript NM_025132.4 (MANE Select); coding-DNA position 3596, T replaced by C.
Protein change: p.Ile1199Thr; replaces isoleucine 1199 with threonine.
Molecular consequence: missense variant.
Genome position (GRCh38, 1-based): chr4:39,274,838, T>C. VCF-style: chr4-39274838-T-C. GRCh37 (hg19) VCF-style: chr4-39276458-T-C.
Other names: c.3116T>C, p.Ile1039Thr (NM_001317924.2); short protein forms I1039T, I1199T.
Identifiers: ClinVar variation 2098327 (VCV002098327.1), dbSNP rs752447818, ClinGen allele CA2892432.
Genomic context (GRCh38, chr4:39,274,838, plus strand): 5'-CTGTTGCTGCTCTCCCCTTTTCTCTTGCAGACATTGTACCCATCCTGACGTCAACTGTGA[T>C]TGAGTGTCACAGGGCAGGCCTGAAGAACTCTGCTTTCAGCTTCGCAGCTATGTTGATGAG-3'
Protein context (NP_079408.3, residues 1189-1209): HIVPILTSTV[Ile1199Thr]ECHRAGLKNS